The following is an entry in ClinVar:

ClinVar aggregate classification (germline): Conflicting classifications of pathogenicity. Review status: criteria provided, conflicting classifications (1 of 4 stars). 2 submissions from 2 submitters: Uncertain significance (1); Likely benign (1). Last evaluated 2026-01-24.

Conditions:
Hereditary cancer-predisposing syndrome. Also called: Tumor predisposition; Hereditary Cancer Syndrome; Hereditary neoplastic syndrome; Neoplastic Syndromes, Hereditary. Identifiers: Orphanet 140162, MedGen C0027672, MeSH D009386, MONDO:0015356.
Hereditary breast ovarian cancer syndrome. Also called: Hereditary breast and ovarian cancer syndrome (HBOC); Hereditary breast and/or ovarian cancer syndrome; Hereditary breast and ovarian cancer syndrome; Breast and ovarian cancer; BRCA1- and BRCA2-Associated Hereditary Breast and Ovarian Cancer; Hereditary breast and ovarian cancer. Identifiers: Orphanet 145, MedGen C0677776, MeSH D061325, MONDO:0003582. Disease mechanism: loss of function.

Submissions (2):

Labcorp Genetics (formerly Invitae), Labcorp
Classification: Uncertain significance for Hereditary breast ovarian cancer syndrome. Last evaluated: 2026-01-24. Review status: criteria provided, single submitter. Criteria: Invitae Variant Classification Sherloc (09022015). Collection method: clinical testing. Allele origin: germline.
Comment: This sequence change replaces lysine, which is basic and polar, with glutamine, which is neutral and polar, at codon 683 of the BRCA1 protein (p.Lys683Gln). This variant is not present in population databases (gnomAD no frequency). This variant has not been reported in the literature in individuals affected with BRCA1-related conditions. ClinVar contains an entry for this variant (Variation ID: 1972548). Invitae Evidence Modeling of protein sequence and biophysical properties (such as structural, functional, and spatial information, amino acid conservation, physicochemical variation, residue mobility, and thermodynamic stability) indicates that this missense variant is not expected to disrupt BRCA1 protein function with a negative predictive value of 80%. In summary, the available evidence is currently insufficient to determine the role of this variant in disease. Therefore, it has been classified as a Variant of Uncertain Significance.

University of Washington Department of Laboratory Medicine, University of Washington
Classification: Likely benign for Hereditary cancer-predisposing syndrome. Last evaluated: 2023-03-23. Review status: criteria provided, single submitter. Criteria: Dines et al. (Genet Med. 2020). Collection method: curation. Allele origin: germline.
Comment: Missense variant in a coldspot region where missense variants are very unlikely to be pathogenic (PMID:31911673).

BRCA1 coldspot (exon 11 using historical exon numbering). Reclassification based on statistical prior probability

NM_007294.4(BRCA1):c.2047A>C (p.Lys683Gln)

Gene: BRCA1 (BRCA1 DNA repair associated; minus strand). Cytogenetic location: 17q21.31.
Variant type: single nucleotide variant.
Coding change: c.2047A>C on transcript NM_007294.4 (MANE Select); coding-DNA position 2047, A replaced by C.
Protein change: p.Lys683Gln; replaces lysine 683 with glutamine.
Molecular consequence: missense variant. On other transcripts: intron variant (137).
Genome position (GRCh38, 1-based): chr17:43,093,484, T>G on the plus strand (A>C on the coding strand, the complement: BRCA1 is on the minus strand). VCF-style: chr17-43093484-T-G. GRCh37 (hg19) VCF-style: chr17-41245501-T-G.
Other names: c.1834A>C, p.Lys612Gln (NM_001407571.1, NM_001407853.1, NM_001407894.1 and 9 more transcripts); c.2047A>C, p.Lys683Gln (NM_001407581.1, NM_001407582.1, NM_001407583.1 and 30 more transcripts); c.2044A>C, p.Lys682Gln (NM_001407587.1, NM_001407590.1, NM_001407591.1 and 22 more transcripts); c.2038A>C, p.Lys680Gln (NM_001407646.1, NM_001407647.1); c.1924A>C, p.Lys642Gln (NM_001407648.1, NM_001407664.1, NM_001407665.1 and 19 more transcripts); c.1921A>C, p.Lys641Gln (NM_001407649.1, NM_001407670.1, NM_001407671.1 and 11 more transcripts); c.1969A>C, p.Lys657Gln (NM_001407653.1, NM_001407654.1, NM_001407655.1 and 4 more transcripts); c.1966A>C, p.Lys656Gln (NM_001407659.1, NM_001407660.1, NM_001407661.1 and 1 more transcripts); and 40 more; short protein forms K515Q, K555Q, K594Q, K612Q, K636Q, K642Q, K680Q, K657Q.
Identifiers: ClinVar variation 1972548 (VCV001972548.7), dbSNP rs2154402184, ClinGen allele CA10597912.